The following is an entry in ClinVar:

ClinVar aggregate classification (germline): Likely benign (1 of 4 stars; one submission).

Allele frequency attached by ClinVar (database versions not stated): 1000 Genomes Project 0.00319; 1000 Genomes Project 30x 0.00375; gnomAD 0.00559; TOPMed 0.00643.

Submission:

GeneDx
Classification: Likely benign. Last evaluated: 2021-05-26. Review status: criteria provided, single submitter. Criteria: GeneDx Variant Classification Process June 2021. Collection method: clinical testing. Allele origin: germline. Affected: yes.
Comment: See Variant Classification Assertion Criteria.

NM_001267052.2(UNC45B):c.2256-163C>T

Gene: UNC45B (unc-45 myosin chaperone B; plus strand). Cytogenetic location: 17q12.
Variant type: single nucleotide variant.
Coding change: c.2256-163C>T on transcript NM_001267052.2 (MANE Select); 163 bases into the intron before coding-DNA position 2256, C replaced by T.
Molecular consequence: intron variant.
Genome position (GRCh38, 1-based): chr17:35,180,396, C>T. VCF-style: chr17-35180396-C-T. GRCh37 (hg19) VCF-style: chr17-33507415-C-T.
Other names: c.2256-163C>T (NM_001033576.2); c.2262-163C>T (NM_173167.3); c.2019-163C>T (NM_001308281.1).
Identifiers: ClinVar variation 1706934 (VCV001706934.2), dbSNP rs114272339, ClinGen allele CA289996520.